The following is an entry in ClinVar:

NM_001384474.1(LOXHD1):c.4190G>A (p.Arg1397His)

Gene: LOXHD1 (lipoxygenase homology PLAT domains 1; minus strand). Cytogenetic location: 18q21.1.
Variant type: single nucleotide variant.
Coding change: c.4190G>A on transcript NM_001384474.1 (MANE Select); coding-DNA position 4190, G replaced by A.
Protein change: p.Arg1397His; replaces arginine 1397 with histidine.
Molecular consequence: missense variant.
Genome position (GRCh38, 1-based): chr18:46,534,357, C>T on the plus strand (G>A on the coding strand, the complement: LOXHD1 is on the minus strand). VCF-style: chr18-46534357-C-T. GRCh37 (hg19) VCF-style: chr18-44114320-C-T.
Other names: c.857G>A, p.Arg286His (NM_001145472.3); c.569G>A, p.Arg190His (NM_001308013.2); c.4190G>A, p.Arg1397His (NM_144612.7); short protein forms R1397H, R190H, R286H.
Identifiers: ClinVar variation 179781 (VCV000179781.5), dbSNP rs727505122, ClinGen allele CA185119.
Genomic context (GRCh38, chr18:46,534,357, plus strand): 5'-ACAAAAGAAACAGCAGGACAGACCAGTCAACAACTCACGTCTTTATCCGGGAGGAGCCTG[C>T]GGATGTCCACGTGAGAGCAGTGCCACCCAGGATTCATGCCCGTGTTATTATGGCCAATCC-3'
Protein context (NP_001371403.1, residues 1387-1407): PGWHCSHVDI[Arg1397His]RLLPDKDGAE

ClinVar aggregate classification (germline): Uncertain significance. Review status: criteria provided, single submitter (1 of 4 stars). 2 submissions from 2 submitters: Uncertain significance (1). 1 of the submissions does not count toward it. Last evaluated 2014-05-15.

Conditions:
Autosomal recessive nonsyndromic hearing loss 77. Identifiers: Orphanet 90636, MedGen C2746083, MONDO:0013119, OMIM 613079.

Allele frequency attached by ClinVar (database versions not stated): gnomAD 0.00001; gnomAD exomes 0.00004; ExAC 0.00018; 1000 Genomes Project 30x 0.00031.
gnomAD v4.1: 28 of 1,551,262 alleles (0.0018%); highest among the groups gnomAD compares: South Asian, 0.024%; no homozygotes.

Submissions (2):

Laboratory for Molecular Medicine, Mass General Brigham Personalized Medicine
Classification: Uncertain significance. Last evaluated: 2014-05-15. Review status: criteria provided, single submitter. Criteria: LMM Criteria. Collection method: clinical testing. Allele origin: germline. Observed: 1 variant allele.
Comment: The Arg1397His variant in LOXHD1 has not been previously reported in individuals with hearing loss or in large population studies. Computational prediction tool s and conservation analyses do not provide strong support for or against an impa ct to the protein. In summary, the clinical significance of the Arg1397His varia nt is uncertain.

Natera, Inc.
Classification: Uncertain significance for Autosomal recessive deafness type 77. Last evaluated: 2019-10-28. Review status: no assertion criteria provided. Collection method: clinical testing. Allele origin: germline. Not counted in ClinVar's aggregate classification.